The following is an entry in ClinVar:

ClinVar aggregate classification (germline): Benign/Likely benign. Review status: criteria provided, multiple submitters, no conflicts (2 of 4 stars). 4 submissions from 4 submitters: Benign (1); Likely benign (2). 1 of the submissions does not count toward it. Last evaluated 2025-06-14.

Conditions:
CHM-related disorder. Also called: CHM-related condition.
Choroideremia. Also called: Chorioretinal scalloped atrophy. Identifiers: Orphanet 180, MedGen C0008525, MONDO:0010557, OMIM 303100, HP:0001139.

Allele frequency attached by ClinVar (database versions not stated): gnomAD 0.00001; gnomAD exomes 0.00002 and 0.00012.
gnomAD v4.1: 130 of 1,208,528 alleles (0.011%); highest among the groups gnomAD compares: Non-Finnish European, 0.014%; no homozygotes.

Submissions (4):

PreventionGenetics, part of Exact Sciences
Classification: Likely benign for CHM-related condition. Last evaluated: 2025-06-14. Review status: criteria provided, single submitter. Criteria: ACMG Guidelines, 2015. Collection method: clinical testing. Allele origin: germline.
Comment: This variant is classified as likely benign based on ACMG/AMP sequence variant interpretation guidelines (Richards et al. 2015 PMID: 25741868, with internal and published modifications).

Labcorp Genetics (formerly Invitae), Labcorp
Classification: Benign. Last evaluated: 2023-11-17. Review status: criteria provided, single submitter. Criteria: Invitae Variant Classification Sherloc (09022015). Collection method: clinical testing. Allele origin: germline.

Blueprint Genetics
Classification: Likely benign. Last evaluated: 2023-05-04. Review status: criteria provided, single submitter. Criteria: ACMG Guidelines, 2015. Collection method: clinical testing. Allele origin: germline.

Natera, Inc.
Classification: Likely benign for Choroideremia. Last evaluated: 2020-04-11. Review status: no assertion criteria provided. Collection method: clinical testing. Allele origin: germline. Not counted in ClinVar's aggregate classification.

NM_000390.4(CHM):c.1929A>C (p.Thr643=)

Gene: CHM (CHM Rab escort protein; minus strand). Cytogenetic location: Xq21.2.
Variant type: single nucleotide variant.
Coding change: c.1929A>C on transcript NM_000390.4 (MANE Select); coding-DNA position 1929, A replaced by C.
Protein change: p.Thr643=; no amino-acid change (threonine 643 retained).
Molecular consequence: synonymous variant.
Genome position (GRCh38, 1-based): chrX:85,864,663, T>G on the plus strand (A>C on the coding strand, the complement: CHM is on the minus strand). VCF-style: chrX-85864663-T-G. GRCh37 (hg19) VCF-style: chrX-85119668-T-G.
Other names: c.1929A>C (NM_000390.3); c.1485A>C, p.Thr495= (NM_001320959.1, NM_001362517.1, NM_001362518.2 and 1 more transcripts).
Identifiers: ClinVar variation 1165534 (VCV001165534.12), dbSNP rs747278560, ClinGen allele CA332647626.